The following is an entry in ClinVar:

NM_152683.4(PRIMPOL):c.844+3A>T

Gene: PRIMPOL (primase and DNA directed polymerase; plus strand). Cytogenetic location: 4q35.1.
Variant type: single nucleotide variant.
Coding change: c.844+3A>T on transcript NM_152683.4 (MANE Select); 3 bases into the intron after coding-DNA position 844, A replaced by T.
Molecular consequence: intron variant.
Genome position (GRCh38, 1-based): chr4:184,672,463, A>T. VCF-style: chr4-184672463-A-T. GRCh37 (hg19) VCF-style: chr4-185593617-A-T.
Other names: c.844+3A>T (NM_001345891.2, NM_001345893.2, NM_001300768.2 and 4 more transcripts); c.148+3A>T (NM_001345894.2, NM_001345897.2, NM_001345898.2 and 1 more transcripts); c.319+3A>T (NM_001345900.2); c.457+3A>T (NM_001300767.2).
Identifiers: ClinVar variation 4293693 (VCV004293693.1).

ClinVar aggregate classification (germline): Uncertain significance (1 of 4 stars; one submission).

Conditions:
Myopia 22, autosomal dominant (MYP22). Identifiers: MedGen C3809464, MONDO:0014177, OMIM 615420.

gnomAD v4.1: 3 of 1,544,516 alleles (0.00019%); highest among the groups gnomAD compares: South Asian, 0.0023%; no homozygotes.

Submission:

3billion
Classification: Uncertain significance for Myopia 22, autosomal dominant. Last evaluated: 2025-01-23. Review status: criteria provided, single submitter. Criteria: ACMG Guidelines, 2015. Collection method: clinical testing. Allele origin: germline. Affected: yes.
Comment: The variant is observed at an extremely low frequency in the gnomAD v4.1.0 dataset (total allele frequency: <0.001%). Predicted Consequence/Location: Intron variant In silico tools predict the variant to alter splicing and produce an abnormal transcript [SpliceAI: 0.73 (>=0.2, moderate evidence for spliceogenicity)]. Therefore, this variant is classified as VUS according to the recommendation of ACMG/AMP guideline.